The following is an entry in ClinVar:

ClinVar aggregate classification (germline): Likely benign (1 of 4 stars; one submission).

Submission:

GeneDx
Classification: Likely benign. Last evaluated: 2016-12-08. Review status: criteria provided, single submitter. Criteria: GeneDx Variant Classification (06012015). Collection method: clinical testing. Allele origin: germline. Affected: yes.
Comment: This variant is considered likely benign or benign based on one or more of the following criteria: it is a conservative change, it occurs at a poorly conserved position in the protein, it is predicted to be benign by multiple in silico algorithms, and/or has population frequency not consistent with disease.

NM_001291303.3(FAT4):c.5921-18dup

Gene: FAT4 (FAT atypical cadherin 4; plus strand). Cytogenetic location: 4q28.1.
Variant type: Duplication.
Coding change: c.5921-18dup on transcript NM_001291303.3 (MANE Select); 18 bases into the intron before coding-DNA position 5921, one base duplicated (T; older notation c.5921-18dupT).
Molecular consequence: intron variant.
Genome position (GRCh38, 1-based): chr4:125,414,866, T duplicated; the last of 6 consecutive T bases (chr4:125,414,861-125,414,866); duplicating any one gives the same sequence. VCF-style (leftmost placement, unchanged base first): chr4-125414860-A-AT. GRCh37 (hg19) VCF-style: chr4-126336015-A-AT.
Other names: c.5921-18dup (NM_001291285.3, NM_024582.6); c.5921-18dupT (NM_024582.4).
Identifiers: ClinVar variation 422732 (VCV000422732.1), dbSNP rs535120107, ClinGen allele CA3072833.
Genomic context (GRCh38, chr4:125,414,860, plus strand): 5'-CAAATTACTTGCTAAAAGTTTTGGTATAGCTTGTTCTGCAATCAGCATATGTTTAAGAAA[A>AT]TTTTTTCTTCCCTTTAATTTCAGGCATCAACTCTCAATTGACTTATAGCATTGCTTCAGG-3'